The following is an entry in ClinVar:

ClinVar aggregate classification (germline): Likely benign. Review status: criteria provided, multiple submitters, no conflicts (2 of 4 stars). 3 submissions from 3 submitters: Likely benign (3). Last evaluated 2024-09-06.

Allele frequency attached by ClinVar (database versions not stated): gnomAD exomes 0.00001; ExAC 0.00002; gnomAD 0.00003; TOPMed 0.00004; ESP Exome Variant Server 0.00023.
gnomAD v4.1: 26 of 1,611,796 alleles (0.0016%); highest among the groups gnomAD compares: East Asian, 0.011%; no homozygotes.

Submissions (3):

Blueprint Genetics
Classification: Likely benign. Last evaluated: 2024-09-06. Review status: criteria provided, single submitter. Criteria: ACMG Guidelines, 2015. Collection method: clinical testing. Allele origin: germline.

CeGaT Center for Human Genetics Tuebingen
Classification: Likely benign. Last evaluated: 2023-10-01. Review status: criteria provided, single submitter. Criteria: CeGaT Center For Human Genetics Tuebingen Variant Classification Criteria Version 2. Collection method: clinical testing. Allele origin: germline. Affected: yes. Observed: 1 variant allele.
Comment: LAMA5: BP4, BP7

Labcorp Genetics (formerly Invitae), Labcorp
Classification: Likely benign. Last evaluated: 2022-01-17. Review status: criteria provided, single submitter. Criteria: Invitae Variant Classification Sherloc (09022015). Collection method: clinical testing. Allele origin: germline.

NM_005560.6(LAMA5):c.909C>T (p.His303=)

Gene: LAMA5 (laminin subunit alpha 5; minus strand). Cytogenetic location: 20q13.33.
Variant type: single nucleotide variant.
Coding change: c.909C>T on transcript NM_005560.6 (MANE Select); coding-DNA position 909, C replaced by T.
Protein change: p.His303=; no amino-acid change (histidine 303 retained).
Molecular consequence: synonymous variant.
Genome position (GRCh38, 1-based): chr20:62,351,751, G>A on the plus strand (C>T on the coding strand, the complement: LAMA5 is on the minus strand). VCF-style: chr20-62351751-G-A. GRCh37 (hg19) VCF-style: chr20-60926807-G-A.
Identifiers: ClinVar variation 2414274 (VCV002414274.32), dbSNP rs145033897, ClinGen allele CA9944226.